The following is an entry in ClinVar:

NM_005199.5(CHRNG):c.282C>T (p.Tyr94=)

Gene: CHRNG (cholinergic receptor nicotinic gamma subunit; plus strand). Cytogenetic location: 2q37.1.
Variant type: single nucleotide variant.
Coding change: c.282C>T on transcript NM_005199.5 (MANE Select); coding-DNA position 282, C replaced by T.
Protein change: p.Tyr94=; no amino-acid change (tyrosine 94 retained).
Molecular consequence: synonymous variant.
Genome position (GRCh38, 1-based): chr2:232,540,643, C>T. VCF-style: chr2-232540643-C-T. GRCh37 (hg19) VCF-style: chr2-233405353-C-T.
Identifiers: ClinVar variation 705191 (VCV000705191.11), dbSNP rs183500569, ClinGen allele CA2168599.

ClinVar aggregate classification (germline): Likely benign. Review status: criteria provided, multiple submitters, no conflicts (2 of 4 stars). 2 submissions from 2 submitters: Likely benign (2). Last evaluated 2026-07-01.

Allele frequency attached by ClinVar (database versions not stated): gnomAD exomes 0.00005 and 0.00014; TOPMed 0.00008; gnomAD 0.00012 and 0.00013; ExAC 0.00014; 1000 Genomes Project 0.00040; 1000 Genomes Project 30x 0.00047.
gnomAD v4.1: 90 of 1,613,088 alleles (0.0056%); highest among the groups gnomAD compares: Admixed American, 0.07%; no homozygotes.

Submissions (2):

CeGaT Center for Human Genetics Tuebingen
Classification: Likely benign. Last evaluated: 2026-07-01. Review status: criteria provided, single submitter. Criteria: CeGaT Center For Human Genetics Tuebingen Variant Classification Criteria Version 2. Collection method: clinical testing. Allele origin: germline. Affected: yes. Observed: 2 variant alleles.
Comment: CHRNG: BP4, BP7

Labcorp Genetics (formerly Invitae), Labcorp
Classification: Likely benign. Last evaluated: 2024-03-07. Review status: criteria provided, single submitter. Criteria: Invitae Variant Classification Sherloc (09022015). Collection method: clinical testing. Allele origin: germline.